The following is an entry in ClinVar:

NM_000064.4(C3):c.4506G>A (p.Leu1502=)

Gene: C3 (complement C3; minus strand). Cytogenetic location: 19p13.3.
Variant type: single nucleotide variant.
Coding change: c.4506G>A on transcript NM_000064.4 (MANE Select); coding-DNA position 4506, G replaced by A.
Protein change: p.Leu1502=; no amino-acid change (leucine 1502 retained).
Molecular consequence: synonymous variant.
Genome position (GRCh38, 1-based): chr19:6,679,447, C>T on the plus strand (G>A on the coding strand, the complement: C3 is on the minus strand). VCF-style: chr19-6679447-C-T. GRCh37 (hg19) VCF-style: chr19-6679458-C-T.
Identifiers: ClinVar variation 4280254 (VCV004280254.1).

ClinVar aggregate classification (germline): Likely benign (1 of 4 stars; one submission).

Conditions:
C3 glomerulonephritis. Also called: C3 GLOMERULOPATHY 3; Nephropathy due to CFHR5 Deficiency. Identifiers: Orphanet 329931, MedGen C4055342, MONDO:0013892, OMIM 614809.

Submission:

Genomenon, Inc
Classification: Likely benign for C3 glomerulonephritis. Last evaluated: 2025-09-30. Review status: criteria provided, single submitter. Criteria: Genomenon Sequence Variant Interpretation Standards. Collection method: curation. Allele origin: germline. Affected: yes.
Comment: C3 p.Leu1502= (c.4506G>A) is a synonymous variant that retains Leucine at residue 1502. This variant has been observed in at least one proband affected with C3 glomerulonephritis (PMID:38606352). This synonymous variant is not predicted to impact splicing. It is absent or not present at a significant frequency in gnomAD. In conclusion, we classify C3 p.Leu1502= (c.4506G>A) as a likely benign variant.

Literature cited by the submitters: PubMed 38606352.